The following is an entry in ClinVar:

ClinVar aggregate classification (germline): Uncertain significance (1 of 4 stars; one submission).

Conditions:
Familial thoracic aortic aneurysm and aortic dissection (TAAD). Also called: Thoracic aortic aneurysms and dissections. Identifiers: Orphanet 91387, MedGen C4707243, MONDO:0019625.
Marfan syndrome (MFS). Also called: Marfan syndrome type 1; Marfan syndrome, classic; Marfan's syndrome; FBN1-Related Marfan Syndrome; MARFAN SYNDROME, TYPE I. Identifiers: Orphanet 284963, Orphanet 558, MedGen C0024796, MONDO:0007947, OMIM 154700.

Submission:

Labcorp Genetics (formerly Invitae), Labcorp
Classification: Uncertain significance for Marfan syndrome; Familial thoracic aortic aneurysm and aortic dissection. Last evaluated: 2018-03-05. Review status: criteria provided, single submitter. Criteria: Invitae Variant Classification Sherloc (09022015). Collection method: clinical testing. Allele origin: germline.
Comment: In summary, the available evidence is currently insufficient to determine the role of this variant in disease. Therefore, it has been classified as a Variant of Uncertain Significance. Algorithms developed to predict the effect of missense changes on protein structure and function do not agree on the potential impact of this missense change (SIFT: "Tolerated"; PolyPhen-2: "Possibly damaging"; Align-GVGD: "Class C0"). This variant has not been reported in the literature in individuals with FBN1-related disease. This variant is not present in population databases (ExAC no frequency). This sequence change replaces alanine with serine at codon 644 of the FBN1 protein (p.Ala644Ser). The alanine residue is highly conserved.

NM_000138.5(FBN1):c.1929_1930delinsTT (p.Ala644Ser)

Gene: FBN1 (fibrillin 1; minus strand). Cytogenetic location: 15q21.1.
Variant type: Indel.
Coding change: c.1929_1930delinsTT on transcript NM_000138.5 (MANE Select); coding-DNA positions 1929 to 1930, GG replaced by TT.
Protein change: p.Ala644Ser; replaces alanine 644 with serine.
Molecular consequence: missense variant.
Genome position (GRCh38, 1-based): chr15:48,505,055-48,505,056, CC replaced by AA on the plus strand (GG replaced by TT on the coding strand, the reverse complement: FBN1 is on the minus strand). VCF-style: chr15-48505055-CC-AA. GRCh37 (hg19) VCF-style: chr15-48797252-CC-AA.
Other names: c.1929_1930delGGinsTT (NM_000138.4); short protein forms A644S.
Identifiers: ClinVar variation 527207 (VCV000527207.7), dbSNP rs1555399812, ClinGen allele CA658798348.